The following is an entry in ClinVar:

ClinVar aggregate classification (germline): Uncertain significance (1 of 4 stars; one submission).

Conditions:
Hereditary cancer-predisposing syndrome. Also called: Hereditary Cancer Syndrome; Hereditary neoplastic syndrome; Neoplastic Syndromes, Hereditary; Tumor predisposition. Identifiers: Orphanet 140162, MedGen C0027672, MeSH D009386, MONDO:0015356.

Submission:

Ambry Genetics
Classification: Uncertain significance for Hereditary cancer-predisposing syndrome. Last evaluated: 2020-12-17. Review status: criteria provided, single submitter. Criteria: Ambry Variant Classification Scheme 2023. Collection method: clinical testing. Allele origin: germline.
Comment: The p.I1465K variant (also known as c.4394T>A), located in coding exon 12 of the BRCA1 gene, results from a T to A substitution at nucleotide position 4394. The isoleucine at codon 1465 is replaced by lysine, an amino acid with dissimilar properties. This amino acid position is not well conserved in available vertebrate species. In addition, the in silico prediction for this alteration is inconclusive. Since supporting evidence is limited at this time, the clinical significance of this alteration remains unclear.

NM_007294.4(BRCA1):c.4394T>A (p.Ile1465Lys)

Gene: BRCA1 (BRCA1 DNA repair associated; minus strand). Cytogenetic location: 17q21.31.
Variant type: single nucleotide variant.
Coding change: c.4394T>A on transcript NM_007294.4 (MANE Select); coding-DNA position 4394, T replaced by A.
Protein change: p.Ile1465Lys; replaces isoleucine 1465 with lysine.
Molecular consequence: missense variant. On other transcripts: non-coding transcript variant (1).
Genome position (GRCh38, 1-based): chr17:43,076,578, A>T on the plus strand (T>A on the coding strand, the complement: BRCA1 is on the minus strand). VCF-style: chr17-43076578-A-T. GRCh37 (hg19) VCF-style: chr17-41228595-A-T.
Other names: c.1148T>A, p.Ile383Lys (NM_001407972.1); c.3503T>A, p.Ile1168Lys (NM_001407967.1); c.1790T>A, p.Ile597Lys (NM_001407968.1); c.1787T>A, p.Ile596Lys (NM_001407969.1); c.1151T>A, p.Ile384Lys (NM_001407970.1, NM_001407971.1); c.4181T>A, p.Ile1394Lys (NM_001407571.1, NM_001407894.1, NM_001407895.1 and 12 more transcripts); c.4460T>A, p.Ile1487Lys (NM_001407581.1, NM_001407582.1); c.4457T>A, p.Ile1486Lys (NM_001407583.1, NM_001407585.1, NM_001407587.1 and 1 more transcripts); and 68 more; short protein forms I1168K, I1336K, I1338K, I1394K, I1395K, I1396K, I1446K, I1460K.
Identifiers: ClinVar variation 1740251 (VCV001740251.2), dbSNP rs2154069576, ClinGen allele CA10592749.